The following is an entry in ClinVar:

ClinVar aggregate classification (germline): Uncertain significance (1 of 4 stars; one submission).

Conditions:
Hereditary cancer-predisposing syndrome. Also called: Tumor predisposition; Hereditary neoplastic syndrome; Hereditary Cancer Syndrome; Neoplastic Syndromes, Hereditary. Identifiers: Orphanet 140162, MedGen C0027672, MeSH D009386, MONDO:0015356.

gnomAD v4.1: 1 of 1,614,168 alleles (0.000062%); highest among the groups gnomAD compares: South Asian, 0.0011%; no homozygotes.

Submission:

Ambry Genetics
Classification: Uncertain significance for Hereditary cancer-predisposing syndrome. Last evaluated: 2025-05-09. Review status: criteria provided, single submitter. Criteria: Ambry Variant Classification Scheme 2023. Collection method: clinical testing. Allele origin: germline.
Comment: The p.G767D variant (also known as c.2300G>A), located in coding exon 15 of the PTCH1 gene, results from a G to A substitution at nucleotide position 2300. The glycine at codon 767 is replaced by aspartic acid, an amino acid with similar properties. This amino acid position is conserved. In addition, this alteration is predicted to be deleterious by in silico analysis. Based on the available evidence, the clinical significance of this variant remains unclear.

NM_000264.5(PTCH1):c.2300G>A (p.Gly767Asp)

Genes: PTCH1 (patched 1; minus strand), LOC100507346 (uncharacterized LOC100507346; plus strand). Cytogenetic location: 9q22.32.
Variant type: single nucleotide variant.
Coding change: c.2300G>A on transcript NM_000264.5 (MANE Select); coding-DNA position 2300, G replaced by A.
Protein change: p.Gly767Asp; replaces glycine 767 with aspartic acid.
Molecular consequence: missense variant. On other transcripts: non-coding transcript variant (1).
Genome position (GRCh38, 1-based): chr9:95,467,376, C>T on the plus strand (G>A on the coding strand, the complement: PTCH1 is on the minus strand). VCF-style: chr9-95467376-C-T. GRCh37 (hg19) VCF-style: chr9-98229658-C-T.
Other names: c.2102G>A, p.Gly701Asp (NM_001083602.3); c.2297G>A, p.Gly766Asp (NM_001083603.3); c.1847G>A, p.Gly616Asp (NM_001083604.3, NM_001083605.3, NM_001083606.3 and 1 more transcripts); c.2144G>A, p.Gly715Asp (NM_001354918.2); short protein forms G616D, G701D, G766D, G715D, G767D.
Identifiers: ClinVar variation 3939968 (VCV003939968.1).